The following is an entry in ClinVar:

ClinVar aggregate classification (germline): Uncertain significance. Review status: criteria provided, multiple submitters, no conflicts (2 of 4 stars). 3 submissions from 3 submitters: Uncertain significance (3). Last evaluated 2025-05-05.

Conditions:
Familial cancer of breast. Also called: hereditary breast carcinoma; BREAST CANCER, FAMILIAL; Hereditary breast cancer. Identifiers: Orphanet 227535, MedGen C0346153, MONDO:0016419, OMIM 114480. Disease mechanism: loss of function.
Fanconi anemia complementation group J. Also called: BRIP1-Related Fanconi Anemia. Identifiers: Orphanet 84, MedGen C1836860, MONDO:0012187, OMIM 609054.
Hereditary cancer-predisposing syndrome. Also called: Tumor predisposition; Hereditary neoplastic syndrome; Neoplastic Syndromes, Hereditary; Hereditary Cancer Syndrome. Identifiers: Orphanet 140162, MedGen C0027672, MeSH D009386, MONDO:0015356.

Allele frequency attached by ClinVar (database versions not stated): gnomAD exomes below 0.00001.
gnomAD v4.1: 3 of 1,613,830 alleles (0.00019%); highest among the groups gnomAD compares: Non-Finnish European, 0.00025%; no homozygotes.

Submissions (3):

Labcorp Genetics (formerly Invitae), Labcorp
Classification: Uncertain significance for Familial cancer of breast; Fanconi anemia complementation group J. Last evaluated: 2025-05-05. Review status: criteria provided, single submitter. Criteria: Invitae Variant Classification Sherloc (09022015). Collection method: clinical testing. Allele origin: germline.
Comment: This sequence change replaces aspartic acid, which is acidic and polar, with glycine, which is neutral and non-polar, at codon 546 of the BRIP1 protein (p.Asp546Gly). This variant is not present in population databases (gnomAD no frequency). This variant has not been reported in the literature in individuals affected with BRIP1-related conditions. ClinVar contains an entry for this variant (Variation ID: 936872). Invitae Evidence Modeling of protein sequence and biophysical properties (such as structural, functional, and spatial information, amino acid conservation, physicochemical variation, residue mobility, and thermodynamic stability) has been performed for this missense variant. However, the output from this modeling did not meet the statistical confidence thresholds required to predict the impact of this variant on BRIP1 protein function. In summary, the available evidence is currently insufficient to determine the role of this variant in disease. Therefore, it has been classified as a Variant of Uncertain Significance.

Color Diagnostics, LLC DBA Color Health
Classification: Uncertain significance for Hereditary cancer-predisposing syndrome. Last evaluated: 2021-06-08. Review status: criteria provided, single submitter. Criteria: ACMG Guidelines, 2015. Collection method: clinical testing. Allele origin: germline.
Comment: This missense variant replaces aspartic acid with glycine at codon 546 of the BRIP1 protein. Computational prediction suggests that this variant may not impact protein structure and function (internally defined REVEL score threshold <= 0.5, PMID: 27666373). To our knowledge, functional studies have not been reported for this variant. This variant has been reported in an individual affected with breast cancer, but also in a control individual in the literature (PMID: 26921362). This variant has not been identified in the general population by the Genome Aggregation Database (gnomAD). The available evidence is insufficient to determine the role of this variant in disease conclusively. Therefore, this variant is classified as a Variant of Uncertain Significance.

Ambry Genetics
Classification: Uncertain significance for Hereditary cancer-predisposing syndrome. Last evaluated: 2021-04-20. Review status: criteria provided, single submitter. Criteria: Ambry Variant Classification Scheme 2023. Collection method: clinical testing. Allele origin: germline.
Comment: The p.D546G variant (also known as c.1637A>G), located in coding exon 11 of the BRIP1 gene, results from an A to G substitution at nucleotide position 1637. The aspartic acid at codon 546 is replaced by glycine, an amino acid with similar properties. This amino acid position is well conserved in available vertebrate species. In addition, this alteration is predicted to be tolerated by in silico analysis. Since supporting evidence is limited at this time, the clinical significance of this alteration remains unclear.

NM_032043.3(BRIP1):c.1637A>G (p.Asp546Gly)

Gene: BRIP1 (BRCA1 interacting DNA helicase 1; minus strand). Cytogenetic location: 17q23.2.
Variant type: single nucleotide variant.
Coding change: c.1637A>G on transcript NM_032043.3 (MANE Select); coding-DNA position 1637, A replaced by G.
Protein change: p.Asp546Gly; replaces aspartic acid 546 with glycine.
Molecular consequence: missense variant.
Genome position (GRCh38, 1-based): chr17:61,780,997, T>C on the plus strand (A>G on the coding strand, the complement: BRIP1 is on the minus strand). VCF-style: chr17-61780997-T-C. GRCh37 (hg19) VCF-style: chr17-59858358-T-C.
Other names: short protein forms D546G.
Identifiers: ClinVar variation 936872 (VCV000936872.13), dbSNP rs2077612367, ClinGen allele CA400480574.